The following is an entry in ClinVar:

NM_002109.6(HARS1):c.175C>T (p.Pro59Ser)

Gene: HARS1 (histidyl-tRNA synthetase 1; minus strand). Cytogenetic location: 5q31.3.
Variant type: single nucleotide variant.
Coding change: c.175C>T on transcript NM_002109.6 (MANE Select); coding-DNA position 175, C replaced by T.
Protein change: p.Pro59Ser; replaces proline 59 with serine.
Molecular consequence: missense variant.
Genome position (GRCh38, 1-based): chr5:140,690,860, G>A on the plus strand (C>T on the coding strand, the complement: HARS1 is on the minus strand). VCF-style: chr5-140690860-G-A. GRCh37 (hg19) VCF-style: chr5-140070445-G-A.
Other names: c.175C>T, p.Pro59Ser (NM_001258042.3, NM_001289092.2, NM_001289093.2 and 2 more transcripts); c.88C>T, p.Pro30Ser (NM_001289094.2); short protein forms P30S, P59S.
Identifiers: ClinVar variation 1680371 (VCV001680371.6), dbSNP rs1759373051, ClinGen allele CA361190011.
Genomic context (GRCh38, chr5:140,690,860, plus strand): 5'-CCCCGTGAGTAGAGTTAGAGACTTTCTCAGTGGCTCCCTACAGGAATGATATTACCTTGG[G>A]GGTTTTGAGCACAAATTTCTGTTTGCTTTCATCAGGACCCAGCTGTGCCTTCAGTTTCAG-3'
Protein context (NP_002100.2, residues 49-69): ESKQKFVLKT[Pro59Ser]KGTRDYSPRQ

ClinVar aggregate classification (germline): Uncertain significance (1 of 4 stars; one submission).

Conditions:
Usher syndrome type 3B. Also called: USHER SYNDROME, TYPE IIIB. Identifiers: MedGen C3281066, MONDO:0013788, OMIM 614504.

Allele frequency attached by ClinVar (database versions not stated): TOPMed below 0.00001.

Submission:

Labcorp Genetics (formerly Invitae), Labcorp
Classification: Uncertain significance for Usher syndrome type 3B. Last evaluated: 2025-12-11. Review status: criteria provided, single submitter. Criteria: Invitae Variant Classification Sherloc (09022015). Collection method: clinical testing. Allele origin: germline.
Comment: This sequence change replaces proline, which is neutral and non-polar, with serine, which is neutral and polar, at codon 59 of the HARS protein (p.Pro59Ser). This variant is not present in population databases (gnomAD no frequency). This variant has not been reported in the literature in individuals affected with HARS-related conditions. ClinVar contains an entry for this variant (Variation ID: 1680371). Invitae Evidence Modeling of protein sequence and biophysical properties (such as structural, functional, and spatial information, amino acid conservation, physicochemical variation, residue mobility, and thermodynamic stability) indicates that this missense variant is expected to disrupt HARS protein function with a positive predictive value of 80%. In summary, the available evidence is currently insufficient to determine the role of this variant in disease. Therefore, it has been classified as a Variant of Uncertain Significance.